The following is an entry in ClinVar:

ClinVar aggregate classification (germline): Uncertain significance. Review status: criteria provided, multiple submitters, no conflicts (2 of 4 stars). 4 submissions from 4 submitters: Uncertain significance (3). 1 of the submissions does not count toward it. Last evaluated 2025-04-30.

Conditions:
Hereditary cancer-predisposing syndrome. Also called: Hereditary neoplastic syndrome; Tumor predisposition; Neoplastic Syndromes, Hereditary; Hereditary Cancer Syndrome. Identifiers: Orphanet 140162, MedGen C0027672, MeSH D009386, MONDO:0015356.
Cardiovascular phenotype. Identifiers: MedGen CN230736.
Neurofibromatosis, type 1 (NF1). Also called: Neurofibromatosis, type I; NEUROFIBROMATOSIS, TYPE I, SOMATIC; Peripheral type neurofibromatosis; VON RECKLINGHAUSEN DISEASE. Identifiers: Orphanet 636, MedGen C0027831, MONDO:0018975, OMIM 162200. Disease mechanism: loss of function.

Submissions (4):

Ambry Genetics
Classification: Uncertain significance for Cardiovascular phenotype; Hereditary cancer-predisposing syndrome. Last evaluated: 2025-04-30. Review status: criteria provided, single submitter. Criteria: Ambry Variant Classification Scheme 2023. Collection method: clinical testing. Allele origin: germline.
Comment: The p.Q1370H variant (also known as c.4110G>C), located in coding exon 30 of the NF1 gene, results from a G to C substitution at nucleotide position 4110. The amino acid change results in glutamine to histidine at codon 1370, an amino acid with highly similar properties. However, this change occurs in the last base pair of coding exon 30, which makes it likely to have some effect on normal mRNA splicing. This variant was reported in a patient who reportedly met diagnostic criteria for neurofibromatosis type 1 (NF1); however, specific phenotype information was not available (Bonatti F et al. Int J Mol Sci, 2017 Sep;18). The nucleotide and amino acid position positions are highly conserved in available vertebrate species. In silico splice site analysis predicts that this alteration will weaken the native splice donor site and may result in the creation or strengthening of a novel splice donor site. In addition, as a missense substitution this is predicted to be deleterious by in silico analysis. Based on the available evidence, the clinical significance of this variant remains unclear.

Laboratory of Genetics, Children's Clinical University Hospital Latvia
Classification: Uncertain significance. Last evaluated: 2025-02-16. Review status: criteria provided, single submitter. Criteria: ACMG Guidelines, 2015. Collection method: clinical testing. Allele origin: germline. Affected: yes.

Labcorp Genetics (formerly Invitae), Labcorp
Classification: Uncertain significance for Neurofibromatosis, type 1. Last evaluated: 2024-04-16. Review status: criteria provided, single submitter. Criteria: Invitae Variant Classification Sherloc (09022015). Collection method: clinical testing. Allele origin: germline.
Comment: This sequence change replaces glutamine, which is neutral and polar, with histidine, which is basic and polar, at codon 1370 of the NF1 protein (p.Gln1370His). This variant also falls at the last nucleotide of exon 30, which is part of the consensus splice site for this exon. This variant is not present in population databases (gnomAD no frequency). This missense change has been observed in individual(s) with clinical features of neurofibromatosis type 1 (PMID: 28961165). ClinVar contains an entry for this variant (Variation ID: 431634). An algorithm developed to predict the effect of missense changes on protein structure and function (PolyPhen-2) suggests that this variant is likely to be disruptive. Variants that disrupt the consensus splice site are a relatively common cause of aberrant splicing (PMID: 17576681, 9536098). Algorithms developed to predict the effect of sequence changes on RNA splicing suggest that this variant may disrupt the consensus splice site. In summary, the available evidence is currently insufficient to determine the role of this variant in disease. Therefore, it has been classified as a Variant of Uncertain Significance.

Medical Genetics, University of Parma
Classification: Uncertain significance for Neurofibromatosis type 1. Last evaluated: 2017-02-02. Review status: no assertion criteria provided. Collection method: clinical testing. Allele origin: germline. Affected: yes. Not counted in ClinVar's aggregate classification.

Literature cited by the submitters: PubMed 28961165 (cited by Ambry Genetics and Labcorp Genetics (formerly Invitae), Labcorp); PubMed 17576681 (cited by Labcorp Genetics (formerly Invitae), Labcorp); PubMed 9536098 (cited by Labcorp Genetics (formerly Invitae), Labcorp).

NM_001042492.3(NF1):c.4110G>C (p.Gln1370His)

Gene: NF1 (neurofibromin 1; plus strand). Cytogenetic location: 17q11.2.
Variant type: single nucleotide variant.
Coding change: c.4110G>C on transcript NM_001042492.3 (MANE Select); coding-DNA position 4110, G replaced by C.
Protein change: p.Gln1370His; replaces glutamine 1370 with histidine.
Molecular consequence: missense variant.
Genome position (GRCh38, 1-based): chr17:31,249,119, G>C. VCF-style: chr17-31249119-G-C. GRCh37 (hg19) VCF-style: chr17-29576137-G-C.
Other names: c.4110G>C, p.Gln1370His (NM_000267.4); short protein forms Q1370H.
Identifiers: ClinVar variation 431634 (VCV000431634.5), dbSNP rs1135402854, ClinGen allele CA398995108.